The following is an entry in ClinVar:

ClinVar aggregate classification (germline): Benign. Review status: criteria provided, multiple submitters, no conflicts (2 of 4 stars). 2 submissions from 2 submitters: Benign (2). Last evaluated 2018-06-14.

Allele frequency attached by ClinVar (database versions not stated): gnomAD 0.67886; TOPMed 0.68793; 1000 Genomes Project 0.75220; 1000 Genomes Project 30x 0.75375.
gnomAD v4.1: 103,364 of 152,212 alleles (68%); highest among the groups gnomAD compares: East Asian, 88%; 35,990 homozygotes.

Submissions (2):

GeneDx
Classification: Benign. Last evaluated: 2018-06-14. Review status: criteria provided, single submitter. Criteria: GeneDx Variant Classification (06012015). Collection method: clinical testing. Allele origin: germline. Affected: yes.
Comment: This variant is considered likely benign or benign based on one or more of the following criteria: it is a conservative change, it occurs at a poorly conserved position in the protein, it is predicted to be benign by multiple in silico algorithms, and/or has population frequency not consistent with disease.

Breakthrough Genomics
Classification: Benign. Review status: criteria provided, single submitter. Criteria: ACMG Guidelines, 2015. Collection method: not provided. Allele origin: germline. Inheritance: Autosomal dominant inheritance. Affected: yes.

NM_000238.4(KCNH2):c.1128+2093G>C

Gene: KCNH2 (potassium voltage-gated channel subfamily H member 2; minus strand). Cytogenetic location: 7q36.1.
Variant type: single nucleotide variant.
Coding change: c.1128+2093G>C on transcript NM_000238.4 (MANE Select); 2093 bases into the intron after coding-DNA position 1128, G replaced by C.
Molecular consequence: intron variant.
Genome position (GRCh38, 1-based): chr7:150,955,198, C>G on the plus strand (G>C on the coding strand, the complement: KCNH2 is on the minus strand). VCF-style: chr7-150955198-C-G. GRCh37 (hg19) VCF-style: chr7-150652286-C-G.
Other names: c.840+2093G>C (NM_001406753.1, NM_001406756.1); c.108+198G>C (NM_172057.3, NM_001204798.2); c.1128+2093G>C (NM_172056.3); c.951+2093G>C (NM_001406755.1); c.828+2093G>C (NM_001406757.1).
Identifiers: ClinVar variation 671949 (VCV000671949.4), dbSNP rs887586, ClinGen allele CA12488559.